The following is an entry in ClinVar:

ClinVar aggregate classification (germline): Uncertain significance (1 of 4 stars; one submission).

Conditions:
Pyogenic arthritis-pyoderma gangrenosum-acne syndrome (PAPA). Also called: FAMILIAL RECURRENT ARTHRITIS; PAPA SYNDROME. Identifiers: Orphanet 69126, MedGen C1858361, MONDO:0011462, OMIM 604416.

Allele frequency attached by ClinVar (database versions not stated): gnomAD 0.00001.
gnomAD v4.1: 1 of 1,590,130 alleles (0.000063%); highest among the groups gnomAD compares: African/African-American, 0.0013%; no homozygotes.

Submission:

Labcorp Genetics (formerly Invitae), Labcorp
Classification: Uncertain significance for Pyogenic arthritis-pyoderma gangrenosum-acne syndrome. Last evaluated: 2023-10-29. Review status: criteria provided, single submitter. Criteria: Invitae Variant Classification Sherloc (09022015). Collection method: clinical testing. Allele origin: germline.
Comment: This sequence change replaces serine, which is neutral and polar, with cysteine, which is neutral and slightly polar, at codon 162 of the PSTPIP1 protein (p.Ser162Cys). This variant is not present in population databases (gnomAD no frequency). This variant has not been reported in the literature in individuals affected with PSTPIP1-related conditions. Advanced modeling of protein sequence and biophysical properties (such as structural, functional, and spatial information, amino acid conservation, physicochemical variation, residue mobility, and thermodynamic stability) performed at Invitae indicates that this missense variant is not expected to disrupt PSTPIP1 protein function with a negative predictive value of 80%. In summary, the available evidence is currently insufficient to determine the role of this variant in disease. Therefore, it has been classified as a Variant of Uncertain Significance.

NM_003978.5(PSTPIP1):c.484A>T (p.Ser162Cys)

Gene: PSTPIP1 (proline-serine-threonine phosphatase interacting protein 1; plus strand). Cytogenetic location: 15q24.3.
Variant type: single nucleotide variant.
Coding change: c.484A>T on transcript NM_003978.5 (MANE Select); coding-DNA position 484, A replaced by T.
Protein change: p.Ser162Cys; replaces serine 162 with cysteine.
Molecular consequence: missense variant. On other transcripts: non-coding transcript variant (1).
Genome position (GRCh38, 1-based): chr15:77,028,620, A>T. VCF-style: chr15-77028620-A-T. GRCh37 (hg19) VCF-style: chr15-77320961-A-T.
Other names: c.484A>T, p.Ser162Cys (NM_001321135.2, NM_001411086.1); c.457A>T, p.Ser153Cys (NM_001321136.2); c.679A>T, p.Ser227Cys (NM_001321137.1); short protein forms S153C, S162C, S227C.
Identifiers: ClinVar variation 2800548 (VCV002800548.3), dbSNP rs2076343469, ClinGen allele CA393519881.